The following is an entry in ClinVar:

NM_000540.3(RYR1):c.12984G>A (p.Ala4328=)

Gene: RYR1 (ryanodine receptor 1; plus strand). Cytogenetic location: 19q13.2.
Variant type: single nucleotide variant.
Coding change: c.12984G>A on transcript NM_000540.3 (MANE Select); coding-DNA position 12984, G replaced by A.
Protein change: p.Ala4328=; no amino-acid change (alanine 4328 retained).
Molecular consequence: synonymous variant.
Genome position (GRCh38, 1-based): chr19:38,565,318, G>A. VCF-style: chr19-38565318-G-A. GRCh37 (hg19) VCF-style: chr19-39055958-G-A.
Other names: c.12969G>A, p.Ala4323= (NM_001042723.2).
Identifiers: ClinVar variation 387028 (VCV000387028.6), dbSNP rs1057522670, ClinGen allele CA16607801.
Genomic context (GRCh38, chr19:38,565,318, plus strand): 5'-CAGCTACCGCAGCCTGCGGCGGCGCGTGCGGCGGCTGCGGCGGCTTACGGCCCGCGAGGC[G>A]GCCACCGCAGTGGCGGCGCTGCTCTGGGCAGCAGTGACGCGCGCTGGGGCCGCTGGCGCG-3'
Protein context (NP_000531.2, residues 4318-4338): RRLRRLTARE[Ala4328=]ATAVAALLWA

ClinVar aggregate classification (germline): Likely benign. Review status: criteria provided, multiple submitters, no conflicts (2 of 4 stars). 3 submissions from 3 submitters: Likely benign (3). Last evaluated 2024-09-03.

Conditions:
RYR1-related disorder. Also called: RYR1-related condition; RYR1-related disorders. Identifiers: MedGen CN239331.

Submissions (3):

Blueprint Genetics
Classification: Likely benign. Last evaluated: 2024-09-03. Review status: criteria provided, single submitter. Criteria: ACMG Guidelines, 2015. Collection method: clinical testing. Allele origin: germline.

Labcorp Genetics (formerly Invitae), Labcorp
Classification: Likely benign for RYR1-related disorder. Last evaluated: 2022-05-24. Review status: criteria provided, single submitter. Criteria: Invitae Variant Classification Sherloc (09022015). Collection method: clinical testing. Allele origin: germline.

GeneDx
Classification: Likely benign. Last evaluated: 2016-06-23. Review status: criteria provided, single submitter. Criteria: GeneDx Variant Classification (06012015). Collection method: clinical testing. Allele origin: germline. Affected: yes.
Comment: This variant is considered likely benign or benign based on one or more of the following criteria: it is a conservative change, it occurs at a poorly conserved position in the protein, it is predicted to be benign by multiple in silico algorithms, and/or has population frequency not consistent with disease.